The following is an entry in ClinVar:

ClinVar aggregate classification (germline): Uncertain significance (1 of 4 stars; one submission).

Conditions:
Developmental and epileptic encephalopathy, 18 (DEE18). Also called: Early infantile epileptic encephalopathy 18. Identifiers: Orphanet 369894, MedGen C3809624, MONDO:0014201, OMIM 615476.

Allele frequency attached by ClinVar (database versions not stated): gnomAD exomes below 0.00001.
gnomAD v4.1: 1 of 1,610,740 alleles (0.000062%); highest among the groups gnomAD compares: Non-Finnish European, 0.000085%; no homozygotes.

Submission:

Center for Genomics, Ann and Robert H. Lurie Children's Hospital of Chicago
Classification: Uncertain significance for Developmental and epileptic encephalopathy, 18. Last evaluated: 2021-03-30. Review status: criteria provided, single submitter. Criteria: ACMG Guidelines, 2015. Collection method: clinical testing. Allele origin: germline.
Comment: SZT2 NM_015284.3 exon 68 p.Lys3157Glu (c.9469A>G): This variant has not been reported in the literature and is not present in large control databases. Evolutionary conservation suggests that this variant may impact the protein; computational predictive tools suggest that this variant may not impact the protein. In summary, data on this variant is insufficient for disease classification. Therefore, the clinical significance of this variant is uncertain.

NM_001365999.1(SZT2):c.9640A>G (p.Lys3214Glu)

Genes: SZT2 (SZT2 subunit of KICSTOR complex; plus strand), SZT2-AS1 (SZT2 antisense RNA 1; minus strand). Cytogenetic location: 1p34.2.
Variant type: single nucleotide variant.
Coding change: c.9640A>G on transcript NM_001365999.1 (MANE Select); coding-DNA position 9640, A replaced by G.
Protein change: p.Lys3214Glu; replaces lysine 3214 with glutamic acid.
Molecular consequence: missense variant. On other transcripts: non-coding transcript variant (1).
Genome position (GRCh38, 1-based): chr1:43,448,155, A>G. VCF-style: chr1-43448155-A-G. GRCh37 (hg19) VCF-style: chr1-43913826-A-G.
Other names: c.9469A>G, p.Lys3157Glu (NM_015284.4); c.1081A>G, p.Lys361Glu (NM_024547.1); short protein forms K3157E, K3214E, K361E.
Identifiers: ClinVar variation 2500094 (VCV002500094.1), dbSNP rs2545869640, ClinGen allele CA340043952.
Genomic context (GRCh38, chr1:43,448,155, plus strand): 5'-GTGCTCACCAGCCAGCGAGAGCTCTTCCCCAGGCTCACTGCTGACATGCGCCGCTTCCGG[A>G]AGCCACCCAGACTGCCCCCTGAGCCAGAGGCTCCTGGGAGTTCAGCTGGCAGCCCTGGGG-3'
Protein context (NP_001352928.1, residues 3204-3224): RLTADMRRFR[Lys3214Glu]PPRLPPEPEA